The following is an entry in ClinVar:

ClinVar aggregate classification (germline): Likely benign (1 of 4 stars; one submission).

Allele frequency attached by ClinVar (database versions not stated): gnomAD 0.00033; TOPMed 0.00040; ExAC 0.00059; 1000 Genomes Project 0.00080; gnomAD exomes 0.00082; ESP Exome Variant Server 0.00092.
gnomAD v4.1: 1,220 of 1,609,220 alleles (0.076%); highest among the groups gnomAD compares: South Asian, 0.15%; 2 homozygotes.

Submission:

CeGaT Center for Human Genetics Tuebingen
Classification: Likely benign. Last evaluated: 2023-03-01. Review status: criteria provided, single submitter. Criteria: CeGaT Center For Human Genetics Tuebingen Variant Classification Criteria Version 2. Collection method: clinical testing. Allele origin: germline. Affected: yes. Observed: 1 variant allele.
Comment: PDZD9: BP4, BP7

NM_001363519.1(PDZD9):c.228T>C (p.Ser76=)

Gene: PDZD9 (PDZ domain containing 9). Cytogenetic location: 16p12.2.
Variant type: single nucleotide variant.
Coding change: c.228T>C on transcript NM_001363519.1 (MANE Select); coding-DNA position 228, T replaced by C.
Protein change: p.Ser76=; no amino-acid change (serine 76 retained).
Molecular consequence: synonymous variant.
Genome position (GRCh38, 1-based): chr16:21,988,775, A>G on the plus strand (T>C on the coding strand, the complement: PDZD9 is on the minus strand). VCF-style: chr16-21988775-A-G. GRCh37 (hg19) VCF-style: chr16-22000096-A-G.
Other names: c.42T>C, p.Ser14= (NM_001370530.1); c.48T>C, p.Ser16= (NM_173806.4).
Identifiers: ClinVar variation 2646308 (VCV002646308.24), dbSNP rs149154019, ClinGen allele CA7954149.